The following is an entry in ClinVar:

NC_000013.11:g.48303738G>T

Gene: RB1 (RB transcriptional corepressor 1; plus strand). Cytogenetic location: 13q14.2.
Variant type: single nucleotide variant.
Genome position: GRCh38 VCF-style: chr13-48303738-G-T. GRCh37 (hg19) VCF-style: chr13-48877874-G-T.
Identifiers: ClinVar variation 4736675 (VCV004736675.1).
Genomic context (GRCh38, chr13:48,303,738, plus strand): 5'-GCGGGCCCGGGAGCCTCGCGGACGTGACGCCGCGGGCGGAAGTGACGTTTTCCCGCGGTT[G>T]GACGCGGCGCTCAGTTGCCGGGCGGGGGAGGGCGCGTCCGGTTTTTCTCAGGGGACGTTG-3'

ClinVar aggregate classification (germline): Uncertain significance (1 of 4 stars; one submission).

Conditions:
Retinoblastoma (RB1). Also called: RETINOBLASTOMA, SOMATIC. Identifiers: Orphanet 790, MedGen C0035335, MeSH D012175, MONDO:0008380, OMIM 180200, HP:0009919. Disease mechanism: loss of function. Inheritance: Both sporadic and heritable forms are tested..

Submission:

Labcorp Genetics (formerly Invitae), Labcorp
Classification: Uncertain significance for Retinoblastoma. Last evaluated: 2025-12-28. Review status: criteria provided, single submitter. Criteria: Invitae Variant Classification Sherloc (09022015). Collection method: clinical testing. Allele origin: germline.
Comment: This variant occurs in a non-coding region of the RB1 gene. It does not change the encoded amino acid sequence of the RB1 protein. This variant is not present in population databases (gnomAD no frequency). This variant has not been reported in the literature in individuals affected with RB1-related conditions. Experimental studies and prediction algorithms are not available or were not evaluated, and the functional significance of this variant is currently unknown. In summary, the available evidence is currently insufficient to determine the role of this variant in disease. Therefore, it has been classified as a Variant of Uncertain Significance.